The following is an entry in ClinVar:

NM_024577.4(SH3TC2):c.1204G>C (p.Val402Leu)

Gene: SH3TC2 (SH3 domain and tetratricopeptide repeats 2; minus strand). Cytogenetic location: 5q32.
Variant type: single nucleotide variant.
Coding change: c.1204G>C on transcript NM_024577.4 (MANE Select); coding-DNA position 1204, G replaced by C.
Protein change: p.Val402Leu; replaces valine 402 with leucine.
Molecular consequence: missense variant.
Genome position (GRCh38, 1-based): chr5:149,028,528, C>G on the plus strand (G>C on the coding strand, the complement: SH3TC2 is on the minus strand). VCF-style: chr5-149028528-C-G. GRCh37 (hg19) VCF-style: chr5-148408091-C-G.
Other names: c.1204G>C (NM_024577.3); short protein forms V402L.
Identifiers: ClinVar variation 1355554 (VCV001355554.9), dbSNP rs549821020, ClinGen allele CA3499231.
Genomic context (GRCh38, chr5:149,028,528, plus strand): 5'-AGCTGCTGGACTGTCTGGACCCCACGGCCTGATGCTCCTCCCAGGCTCTGCCAGGCCTGA[C>G]CTCCTTGAAACCTTCAGGCTGGGATGCTGTAAGGACAGGCAAAGTTGAGCAACCTTGGGC-3'
Protein context (NP_078853.2, residues 392-412): SASQPEGFKE[Val402Leu]RPGRAWEEHQ

ClinVar aggregate classification (germline): Uncertain significance. Review status: criteria provided, multiple submitters, no conflicts (2 of 4 stars). 3 submissions from 3 submitters: Uncertain significance (3). Last evaluated 2025-08-30.

Conditions:
Charcot-Marie-Tooth disease type 4. Also called: Charcot-Marie-Tooth disease, type IV; Charcot-Marie-Tooth, Type 4. Identifiers: Orphanet 64749, MedGen C4082197, MONDO:0018995.
SH3TC2-related disorder. Also called: SH3TC2-related disorders; SH3TC2-related condition. Identifiers: MedGen CN239303.
Inborn genetic diseases. Identifiers: MedGen C0950123, MeSH D030342.

Allele frequency attached by ClinVar (database versions not stated): TOPMed below 0.00001; gnomAD 0.00001.
gnomAD v4.1: 18 of 1,613,990 alleles (0.0011%); highest among the groups gnomAD compares: Non-Finnish European, 0.0014%; no homozygotes.

Submissions (3):

Ambry Genetics
Classification: Uncertain significance for Inborn genetic diseases. Last evaluated: 2025-08-30. Review status: criteria provided, single submitter. Criteria: Ambry Variant Classification Scheme 2023. Collection method: clinical testing. Allele origin: germline.

PreventionGenetics, part of Exact Sciences
Classification: Uncertain significance for SH3TC2-related condition. Last evaluated: 2025-06-23. Review status: criteria provided, single submitter. Criteria: ACMG Guidelines, 2015. Collection method: clinical testing. Allele origin: germline.
Comment: The SH3TC2 c.1204G>C variant is predicted to result in the amino acid substitution p.Val402Leu. To our knowledge, this variant has not been reported in the literature. This variant is reported in 0.0026% of alleles in individuals of European (non-Finnish) descent in gnomAD. At this time, the clinical significance of this variant is uncertain due to the absence of conclusive functional and genetic evidence.

Labcorp Genetics (formerly Invitae), Labcorp
Classification: Uncertain significance for Charcot-Marie-Tooth disease type 4. Last evaluated: 2021-01-16. Review status: criteria provided, single submitter. Criteria: Invitae Variant Classification Sherloc (09022015). Collection method: clinical testing. Allele origin: germline.
Comment: Advanced modeling of protein sequence and biophysical properties (such as structural, functional, and spatial information, amino acid conservation, physicochemical variation, residue mobility, and thermodynamic stability) performed at Invitae indicates that this missense variant is not expected to disrupt SH3TC2 protein function. This sequence change replaces valine with leucine at codon 402 of the SH3TC2 protein (p.Val402Leu). The valine residue is weakly conserved and there is a small physicochemical difference between valine and leucine. This variant is present in population databases (rs549821020, ExAC 0.002%). This variant has not been reported in the literature in individuals with SH3TC2-related conditions. In summary, the available evidence is currently insufficient to determine the role of this variant in disease. Therefore, it has been classified as a Variant of Uncertain Significance.